The following is an entry in ClinVar:

ClinVar aggregate classification (germline): Benign. Review status: criteria provided, multiple submitters, no conflicts (2 of 4 stars). 2 submissions from 2 submitters: Benign (2). Last evaluated 2018-06-18.

Allele frequency attached by ClinVar (database versions not stated): 1000 Genomes Project 30x 0.16021; 1000 Genomes Project 0.16554; TOPMed 0.17393; gnomAD 0.18236 and 0.18544.
gnomAD v4.1: 183,516 of 820,462 alleles (22%); highest among the groups gnomAD compares: Middle Eastern, 28%; 21,794 homozygotes.

Submissions (2):

GeneDx
Classification: Benign. Last evaluated: 2018-06-18. Review status: criteria provided, single submitter. Criteria: GeneDx Variant Classification (06012015). Collection method: clinical testing. Allele origin: germline. Affected: yes.
Comment: This variant is considered likely benign or benign based on one or more of the following criteria: it is a conservative change, it occurs at a poorly conserved position in the protein, it is predicted to be benign by multiple in silico algorithms, and/or has population frequency not consistent with disease.

Breakthrough Genomics
Classification: Benign. Review status: criteria provided, single submitter. Criteria: ACMG Guidelines, 2015. Collection method: not provided. Allele origin: germline. Inheritance: Autosomal dominant inheritance. Affected: yes.

NM_003072.5(SMARCA4):c.3169-119C>T

Gene: SMARCA4 (SWI/SNF related BAF chromatin remodeling complex subunit ATPase 4; plus strand). Cytogenetic location: 19p13.2.
Variant type: single nucleotide variant.
Coding change: c.3169-119C>T on transcript NM_003072.5 (MANE Select); 119 bases into the intron before coding-DNA position 3169, C replaced by T.
Molecular consequence: intron variant.
Genome position (GRCh38, 1-based): chr19:11,026,181, C>T. VCF-style: chr19-11026181-C-T. GRCh37 (hg19) VCF-style: chr19-11136857-C-T.
Other names: c.3169-119C>T (NM_001128844.3, NM_001128849.3, NM_001128847.4 and 5 more transcripts).
Identifiers: ClinVar variation 676525 (VCV000676525.2), dbSNP rs1019193, ClinGen allele CA14635559.